The following is an entry in ClinVar:

NM_017649.5(CNNM2):c.50A>G (p.Gln17Arg)

Gene: CNNM2 (cyclin and CBS domain divalent metal cation transport mediator 2; plus strand). Cytogenetic location: 10q24.32.
Variant type: single nucleotide variant.
Coding change: c.50A>G on transcript NM_017649.5 (MANE Select); coding-DNA position 50, A replaced by G.
Protein change: p.Gln17Arg; replaces glutamine 17 with arginine.
Molecular consequence: missense variant.
Genome position (GRCh38, 1-based): chr10:102,918,530, A>G. VCF-style: chr10-102918530-A-G. GRCh37 (hg19) VCF-style: chr10-104678287-A-G.
Other names: c.50A>G, p.Gln17Arg (NM_199076.3, NM_199077.3); short protein forms Q17R.
Identifiers: ClinVar variation 4848518 (VCV004848518.1).
Genomic context (GRCh38, chr10:102,918,530, plus strand): 5'-GCAGCCACCCTATGATTGGCTGTGGCGCTTGTGAACCCAAAGTAAAGATGGCGGGCGGGC[A>G]GGCAGCCGCCGCACTGCCCACTTGGAAGATGGCGGCGCGCCGCAGCCTCAGCGCTCGCGG-3'
Protein context (NP_060119.3, residues 7-27): CEPKVKMAGG[Gln17Arg]AAAALPTWKM

ClinVar aggregate classification (germline): Uncertain significance (1 of 4 stars; one submission).

gnomAD v4.1: 2 of 1,603,954 alleles (0.00012%); highest among the groups gnomAD compares: Non-Finnish European, 0.000085%; no homozygotes.

Submission:

Women's Health and Genetics/Laboratory Corporation of America, LabCorp
Classification: Uncertain significance. Last evaluated: 2026-04-15. Review status: criteria provided, single submitter. Criteria: LabCorp Variant Classification Summary - May 2015. Collection method: clinical testing. Allele origin: germline.
Comment: Variant summary: CNNM2 c.50A>G (p.Gln17Arg) results in a conservative amino acid change in the encoded protein sequence. Algorithms developed to predict the effect of missense changes on protein structure and function all suggest that this variant is likely to be tolerated. The variant was absent in 222640 control chromosomes. The available data on variant occurrences in the general population are insufficient to allow any conclusion about variant significance. To our knowledge, no occurrence of c.50A>G in individuals affected with CNNM2-related conditions and no experimental evidence demonstrating its impact on protein function have been reported. No submitters have cited clinical-significance assessments for this variant to ClinVar. Based on the evidence outlined above, the variant was classified as uncertain significance.